The following is an entry in ClinVar:

NM_006766.5(KAT6A):c.4149C>T (p.Ser1383=)

Gene: KAT6A (lysine acetyltransferase 6A; minus strand). Cytogenetic location: 8p11.21.
Variant type: single nucleotide variant.
Coding change: c.4149C>T on transcript NM_006766.5 (MANE Select); coding-DNA position 4149, C replaced by T.
Protein change: p.Ser1383=; no amino-acid change (serine 1383 retained).
Molecular consequence: synonymous variant.
Genome position (GRCh38, 1-based): chr8:41,934,071, G>A on the plus strand (C>T on the coding strand, the complement: KAT6A is on the minus strand). VCF-style: chr8-41934071-G-A. GRCh37 (hg19) VCF-style: chr8-41791589-G-A.
Identifiers: ClinVar variation 1272650 (VCV001272650.26), dbSNP rs35760242, ClinGen allele CA4729534.

ClinVar aggregate classification (germline): Benign/Likely benign. Review status: criteria provided, multiple submitters, no conflicts (2 of 4 stars). 4 submissions from 4 submitters: Benign (1); Likely benign (3). Last evaluated 2026-01-20.

Conditions:
Inborn genetic diseases. Identifiers: MedGen C0950123, MeSH D030342.

Allele frequency attached by ClinVar (database versions not stated): gnomAD 0.00013 and 0.00014; TOPMed 0.00014; ESP Exome Variant Server 0.00015; 1000 Genomes Project 30x 0.00031; 1000 Genomes Project 0.00040.
gnomAD v4.1: 129 of 1,614,044 alleles (0.008%); highest among the groups gnomAD compares: Middle Eastern, 0.099%; no homozygotes.

Submissions (4):

Labcorp Genetics (formerly Invitae), Labcorp
Classification: Likely benign. Last evaluated: 2026-01-20. Review status: criteria provided, single submitter. Criteria: Invitae Variant Classification Sherloc (09022015). Collection method: clinical testing. Allele origin: germline.

CeGaT Center for Human Genetics Tuebingen
Classification: Likely benign. Last evaluated: 2024-10-01. Review status: criteria provided, single submitter. Criteria: CeGaT Center For Human Genetics Tuebingen Variant Classification Criteria Version 2. Collection method: clinical testing. Allele origin: germline. Affected: yes. Observed: 2 variant alleles.
Comment: KAT6A: BP4, BP7

GeneDx
Classification: Benign. Last evaluated: 2019-12-19. Review status: criteria provided, single submitter. Criteria: GeneDx Variant Classification Process June 2021. Collection method: clinical testing. Allele origin: germline. Affected: yes.

Ambry Genetics
Classification: Likely benign for Inborn genetic diseases. Last evaluated: 2017-10-16. Review status: criteria provided, single submitter. Criteria: Ambry Variant Classification Scheme 2023. Collection method: clinical testing. Allele origin: germline.